The following is an entry in ClinVar:

NM_001256545.2(MEGF10):c.542G>A (p.Arg181His)

Gene: MEGF10 (multiple EGF like domains 10; plus strand). Cytogenetic location: 5q23.2.
Variant type: single nucleotide variant.
Coding change: c.542G>A on transcript NM_001256545.2 (MANE Select); coding-DNA position 542, G replaced by A.
Protein change: p.Arg181His; replaces arginine 181 with histidine.
Molecular consequence: missense variant.
Genome position (GRCh38, 1-based): chr5:127,396,661, G>A. VCF-style: chr5-127396661-G-A. GRCh37 (hg19) VCF-style: chr5-126732353-G-A.
Other names: c.542G>A, p.Arg181His (NM_001308119.2, NM_001308121.2, NM_032446.3); short protein forms R181H.
Identifiers: ClinVar variation 834480 (VCV000834480.12), dbSNP rs377547826, ClinGen allele CA3391324.
Genomic context (GRCh38, chr5:127,396,661, plus strand): 5'-ACCCCATCACCGGGGCTTGCCACTGTGCTGCGGGCTTCCGGGGCTGGCGCTGCGAGGACC[G>A]CTGTGAGCAGGGCACCTATGGTAACGACTGTCATCAGAGATGCCAGTGCCAGAATGGAGC-3'
Protein context (NP_001243474.1, residues 171-191): AGFRGWRCED[Arg181His]CEQGTYGNDC

ClinVar aggregate classification (germline): Uncertain significance. Review status: criteria provided, multiple submitters, no conflicts (2 of 4 stars). 4 submissions from 4 submitters: Uncertain significance (4). Last evaluated 2023-11-21.

Conditions:
Inborn genetic diseases. Identifiers: MedGen C0950123, MeSH D030342.
MEGF10-related myopathy (CMYO10A). Also called: Congenital myopathy 10A, severe variant. Identifiers: Orphanet 439212, MedGen C3280679, MONDO:0013731, OMIM 614399.

Allele frequency attached by ClinVar (database versions not stated): TOPMed 0.00001.
gnomAD v4.1: 20 of 1,614,092 alleles (0.0012%); highest among the groups gnomAD compares: Admixed American, 0.01%; no homozygotes.

Submissions (4):

Women's Health and Genetics/Laboratory Corporation of America, LabCorp
Classification: Uncertain significance. Last evaluated: 2023-11-21. Review status: criteria provided, single submitter. Criteria: LabCorp Variant Classification Summary - May 2015. Collection method: clinical testing. Allele origin: germline.
Comment: Variant summary: MEGF10 c.542G>A (p.Arg181His) results in a non-conservative amino acid change in the encoded protein sequence. Three of five in-silico tools predict a benign effect of the variant on protein function. The variant allele was found at a frequency of 3.6e-05 in 251074 control chromosomes. The available data on variant occurrences in the general population are insufficient to allow any conclusion about variant significance. To our knowledge, no occurrence of c.542G>A in individuals affected with MEGF10-Related Myopathy and no experimental evidence demonstrating its impact on protein function have been reported. Three submitters have cited clinical-significance assessments for this variant to ClinVar after 2014. All submitters classified the variant as uncertain significance. Based on the evidence outlined above, the variant was classified as uncertain significance.

Labcorp Genetics (formerly Invitae), Labcorp
Classification: Uncertain significance for MEGF10-related myopathy. Last evaluated: 2022-03-09. Review status: criteria provided, single submitter. Criteria: Invitae Variant Classification Sherloc (09022015). Collection method: clinical testing. Allele origin: germline.
Comment: This sequence change replaces arginine, which is basic and polar, with histidine, which is basic and polar, at codon 181 of the MEGF10 protein (p.Arg181His). This variant is present in population databases (rs377547826, gnomAD 0.01%). This variant has not been reported in the literature in individuals affected with MEGF10-related conditions. ClinVar contains an entry for this variant (Variation ID: 834480). Algorithms developed to predict the effect of missense changes on protein structure and function output the following: SIFT: "Tolerated"; PolyPhen-2: "Benign"; Align-GVGD: "Class C0". The histidine amino acid residue is found in multiple mammalian species, which suggests that this missense change does not adversely affect protein function. In summary, the available evidence is currently insufficient to determine the role of this variant in disease. Therefore, it has been classified as a Variant of Uncertain Significance.

Ambry Genetics
Classification: Uncertain significance for Inborn genetic diseases. Last evaluated: 2021-07-20. Review status: criteria provided, single submitter. Criteria: Ambry Variant Classification Scheme 2023. Collection method: clinical testing. Allele origin: germline.

Illumina Laboratory Services, Illumina
Classification: Uncertain significance for MEGF10-related myopathy. Last evaluated: 2018-01-13. Review status: criteria provided, single submitter. Criteria: ICSL Variant Classification Criteria 13 December 2019. Collection method: clinical testing. Allele origin: germline.